The following is an entry in ClinVar:

ClinVar aggregate classification (germline): Pathogenic (1 of 4 stars; one submission).

Conditions:
Familial cancer of breast. Also called: BREAST CANCER, FAMILIAL; Hereditary breast cancer; hereditary breast carcinoma. Identifiers: Orphanet 227535, MedGen C0346153, MONDO:0016419, OMIM 114480. Disease mechanism: loss of function.

Submission:

Myriad Genetics, Inc.
Classification: Pathogenic for Familial cancer of breast. Last evaluated: 2026-04-28. Review status: criteria provided, single submitter. Criteria: Myriad Autosomal Dominant, Autosomal Recessive and X-Linked Classification Criteria (2023). Collection method: clinical testing. Allele origin: unknown.
Comment: This variant is considered pathogenic. This variant creates a frameshift predicted to result in premature protein truncation.

NM_000051.4(ATM):c.6307del (p.Ala2103fs)

Genes: ATM (ATM serine/threonine kinase; plus strand), C11orf65 (chromosome 11 open reading frame 65; minus strand). Cytogenetic location: 11q22.3.
Variant type: Deletion.
Coding change: c.6307del on transcript NM_000051.4 (MANE Select); coding-DNA position 6307, one base deleted (G; older notation c.6307delG).
Protein change: p.Ala2103fs; shifts the reading frame from alanine 2103.
Molecular consequence: frameshift variant. On other transcripts: intron variant (2).
Genome position (GRCh38, 1-based): chr11:108,317,481, G deleted. VCF-style (leftmost placement, unchanged base first): chr11-108317480-AG-A. GRCh37 (hg19) VCF-style: chr11-108188207-AG-A.
Other names: c.6307del, p.Ala2103fs (NM_001351834.2); c.641-8410del (NM_001330368.2); c.*39-8410del (NM_001351110.2); short protein forms A2103fs.
Identifiers: ClinVar variation 4876025 (VCV004876025.1).
Genomic context (GRCh38, chr11:108,317,480, plus strand): 5'-AGGATTGGATTATGAAAATAAAGACTGGTGTCCTGAACTAGAAGAACTTCATTACCAAGC[AG>A]CATGGAGGAATATGCAGTGGGACCATTGCACTTCCGTCAGGTAAGAAATTTGACTTGATT-3'